The following is an entry in ClinVar:

ClinVar aggregate classification (germline): Uncertain significance (1 of 4 stars; one submission).

Allele frequency attached by ClinVar (database versions not stated): ESP Exome Variant Server 0.00008.
gnomAD v4.1: 20 of 1,614,084 alleles (0.0012%); highest among the groups gnomAD compares: African/African-American, 0.017%; no homozygotes.

Submission:

Labcorp Genetics (formerly Invitae), Labcorp
Classification: Uncertain significance. Last evaluated: 2025-06-12. Review status: criteria provided, single submitter. Criteria: Invitae Variant Classification Sherloc (09022015). Collection method: clinical testing. Allele origin: germline.
Comment: This sequence change replaces isoleucine, which is neutral and non-polar, with leucine, which is neutral and non-polar, at codon 384 of the NR3C2 protein (p.Ile384Leu). This variant is present in population databases (rs146386941, gnomAD 0.02%). This variant has not been reported in the literature in individuals affected with NR3C2-related conditions. ClinVar contains an entry for this variant (Variation ID: 1923297). Invitae Evidence Modeling of protein sequence and biophysical properties (such as structural, functional, and spatial information, amino acid conservation, physicochemical variation, residue mobility, and thermodynamic stability) indicates that this missense variant is not expected to disrupt NR3C2 protein function with a negative predictive value of 80%. In summary, the available evidence is currently insufficient to determine the role of this variant in disease. Therefore, it has been classified as a Variant of Uncertain Significance.

NM_000901.5(NR3C2):c.1150A>C (p.Ile384Leu)

Gene: NR3C2 (nuclear receptor subfamily 3 group C member 2; minus strand). Cytogenetic location: 4q31.23.
Variant type: single nucleotide variant.
Coding change: c.1150A>C on transcript NM_000901.5 (MANE Select); coding-DNA position 1150, A replaced by C.
Protein change: p.Ile384Leu; replaces isoleucine 384 with leucine.
Molecular consequence: missense variant. On other transcripts: non-coding transcript variant (1).
Genome position (GRCh38, 1-based): chr4:148,435,711, T>G on the plus strand (A>C on the coding strand, the complement: NR3C2 is on the minus strand). VCF-style: chr4-148435711-T-G. GRCh37 (hg19) VCF-style: chr4-149356863-T-G.
Other names: c.1150A>C, p.Ile384Leu (NM_001166104.2, NM_001354819.1); short protein forms I384L.
Identifiers: ClinVar variation 1923297 (VCV001923297.5), dbSNP rs146386941, ClinGen allele CA3100350.